The following is an entry in ClinVar:

ClinVar aggregate classification (germline): Uncertain significance (1 of 4 stars; one submission).

Submission:

Ambry Genetics
Classification: Uncertain significance. Last evaluated: 2025-12-11. Review status: criteria provided, single submitter. Criteria: Ambry Variant Classification Scheme 2023. Collection method: clinical testing. Allele origin: germline.
Comment: The p.P1262R variant (also known as c.3785C>G), located in coding exon 7 of the MLH3 gene, results from a C to G substitution at nucleotide position 3785. The proline at codon 1262 is replaced by arginine, an amino acid with dissimilar properties. This amino acid position is conserved. In addition, this alteration is predicted to be deleterious by in silico analysis. Based on the available evidence, the clinical significance of this variant remains unclear.

NM_001040108.2(MLH3):c.3785C>G (p.Pro1262Arg)

Gene: MLH3 (mutL homolog 3; minus strand). Cytogenetic location: 14q24.3.
Variant type: single nucleotide variant.
Coding change: c.3785C>G on transcript NM_001040108.2 (MANE Select); coding-DNA position 3785, C replaced by G.
Protein change: p.Pro1262Arg; replaces proline 1262 with arginine.
Molecular consequence: missense variant.
Genome position (GRCh38, 1-based): chr14:75,032,110, G>C on the plus strand (C>G on the coding strand, the complement: MLH3 is on the minus strand). VCF-style: chr14-75032110-G-C. GRCh37 (hg19) VCF-style: chr14-75498813-G-C.
Other names: c.3713C>G, p.Pro1238Arg (NM_014381.3); short protein forms P1238R, P1262R.
Identifiers: ClinVar variation 4552136 (VCV004552136.1).
Genomic context (GRCh38, chr14:75,032,110, plus strand): 5'-TCTCATGGTGGTACTGACCATAAGAGTCTCCTTTGTTCCTCTGTCACTGTTATCTCTAGC[G>C]GAGGAATTAGAGTAGAAGACAGTAATTTTTTCCGACCAGAGCCTTGTGCCTGTTGCTTCT-3'
Protein context (NP_001035197.1, residues 1252-1272): KKLLSSTLIP[Pro1262Arg]LEITVTEEQR